The following is an entry in ClinVar:

NM_000180.4(GUCY2D):c.2633_2636del (p.Gln878fs)

Gene: GUCY2D (guanylate cyclase 2D, retinal; plus strand). Cytogenetic location: 17p13.1.
Variant type: Deletion.
Coding change: c.2633_2636del on transcript NM_000180.4 (MANE Select); coding-DNA positions 2633 to 2636, 4 bases deleted (AAGT; older notation c.2633_2636delAAGT).
Protein change: p.Gln878fs; shifts the reading frame from glutamine 878.
Molecular consequence: frameshift variant.
Genome position (GRCh38, 1-based): chr17:8,014,915-8,014,918, AAGT deleted. VCF-style (leftmost placement, unchanged base first): chr17-8014914-CAAGT-C. GRCh37 (hg19) VCF-style: chr17-7918232-CAAGT-C.
Other names: NM_000180.4:c.2633_2636del; short protein forms Q878fs.
Identifiers: ClinVar variation 3602093 (VCV003602093.1).

ClinVar aggregate classification (germline): Pathogenic (3 of 4 stars; one submission).

Conditions:
GUCY2D-related recessive retinopathy. Also called: Recessive GUCY2D retinopathy. Identifiers: MedGen CN305603, MONDO:0100453.

Submission:

ClinGen Leber Congenital Amaurosis/early Onset Retinal Dystrophy Variant Curation Expert Panel, ClinGen
Classification: Pathogenic for GUCY2D-related recessive retinopathy. Last evaluated: 2025-01-31. Review status: reviewed by expert panel. Criteria: ClinGen LCAeoRD ACMG Specifications GUCY2D V1.0.0. Collection method: curation. Allele origin: germline. Inheritance: Autosomal recessive inheritance.
Comment: NM_000180.4(GUCY2D):c.2633_2636del (p.Gln878ArgfsTer17) is a frameshift variant that introduces a premature stop codon into exon 14 of 20, and is predicted to lead to nonsense-mediated decay in a gene in which loss-of-function is an established mechanism of disease (PVS1). This variant is absent from gnomAD v4.1.0 (PM2_Supporting). At least one proband harboring this variant exhibits a phenotype including diagnosis of Leber congenital amaurosis (0.5 pts), onset in the first 3 months of life (1 pt). unremarkable fundus with thin vessels (0.5 pts), nystagmus (1 pt), eye poking, visual acuity limited to light perception (1 pt), and high hypermetropia, which together are specific for GUCY2D-related recessive retinopathy (total 4 points, PMID: 31704230, PP4). In summary, this variant meets the criteria to be classified as pathogenic for GUCY2D-related recessive retinopathy based on the ACMG/AMP criteria applied, as specified by the ClinGen LCA / eoRD VCEP: PVS1, PM2_Supporting, and PP4. (VCEP specifications version 1.0.0; date of approval 01/22/2025).